The following is an entry in ClinVar:

ClinVar aggregate classification (germline): Likely pathogenic (1 of 4 stars; one submission).

Conditions:
Fanconi anemia (FA). Also called: Fanconi's anemia. Identifiers: Orphanet 84, MedGen C0015625, MeSH D005199, MONDO:0019391.

Submission:

Labcorp Genetics (formerly Invitae), Labcorp
Classification: Likely pathogenic for Fanconi anemia. Last evaluated: 2020-04-17. Review status: criteria provided, single submitter. Criteria: Invitae Variant Classification Sherloc (09022015). Collection method: clinical testing. Allele origin: germline.
Comment: Algorithms developed to predict the effect of sequence changes on RNA splicing suggest that this variant may disrupt the consensus splice site, but this prediction has not been confirmed by published transcriptional studies. Donor and acceptor splice site variants typically lead to a loss of protein function (PMID: 16199547), and loss-of-function variants in FANCA are known to be pathogenic (PMID: 19367192). In summary, the currently available evidence indicates that the variant is pathogenic, but additional data are needed to prove that conclusively. Therefore, this variant has been classified as Likely Pathogenic. This variant has not been reported in the literature in individuals with FANCA-related conditions. This sequence change affects an acceptor splice site in intron 22 of the FANCA gene. It is expected to disrupt RNA splicing and likely results in an absent or disrupted protein product. This variant is not present in population databases (ExAC no frequency).

Literature cited by the submitters: PubMed 16199547; PubMed 19367192.

NM_000135.4(FANCA):c.2015-2A>C

Gene: FANCA (FA complementation group A; minus strand). Cytogenetic location: 16q24.3.
Variant type: single nucleotide variant.
Coding change: c.2015-2A>C on transcript NM_000135.4 (MANE Select); the canonical splice acceptor site of the intron before coding-DNA position 2015, A replaced by C.
Molecular consequence: splice acceptor variant.
Genome position (GRCh38, 1-based): chr16:89,771,816, T>G on the plus strand (A>C on the coding strand, the complement: FANCA is on the minus strand). VCF-style: chr16-89771816-T-G. GRCh37 (hg19) VCF-style: chr16-89838224-T-G.
Other names: c.2015-2A>C (NM_001286167.3).
Identifiers: ClinVar variation 1068269 (VCV001068269.7), dbSNP rs2143351760, ClinGen allele CA397448779.